The following is an entry in ClinVar:

ClinVar aggregate classification (germline): Uncertain significance (1 of 4 stars; one submission).

Conditions:
Neurodevelopmental disorder with impaired language, behavioral abnormalities, and dysmorphic facies (NEDLBF). Identifiers: MedGen C5882686, MONDO:0957588, OMIM 620494.

Submission:

Dasa
Classification: Uncertain significance for Neurodevelopmental disorder with impaired language, behavioral abnormalities, and dysmorphic facies. Last evaluated: 2025-08-25. Review status: criteria provided, single submitter. Criteria: DASA Assertion Criteria. Collection method: clinical testing. Allele origin: germline.
Comment: NM_014847.4(UBAP2L):c.2801C>T (p.Ala934Val) is a missense variant that results in the substitution of alanine with valine. This variant is absent from population databases. Computational prediction algorithms are consistent with a benign effect. The currently available literature and clinical evidence are not sufficient to establish a definitive association between this variant and the reported condition. Therefore, this variant is classified as a variant of uncertain significance.

NM_014847.4(UBAP2L):c.2801C>T (p.Ala934Val)

Gene: UBAP2L (ubiquitin associated protein 2 like; plus strand). Cytogenetic location: 1q21.3.
Variant type: single nucleotide variant.
Coding change: c.2801C>T on transcript NM_014847.4 (MANE Select); coding-DNA position 2801, C replaced by T.
Protein change: p.Ala934Val; replaces alanine 934 with valine.
Molecular consequence: missense variant.
Genome position (GRCh38, 1-based): chr1:154,261,596, C>T. VCF-style: chr1-154261596-C-T. GRCh37 (hg19) VCF-style: chr1-154234072-C-T.
Other names: c.2801C>T, p.Ala934Val (NM_001127320.3, NM_001375614.1, NM_001375615.1 and 14 more transcripts); c.2780C>T, p.Ala927Val (NM_001287815.1); c.2834C>T, p.Ala945Val (NM_001287816.1, NM_001330730.1, NM_001375612.1 and 2 more transcripts); short protein forms A927V, A934V, A945V.
Identifiers: ClinVar variation 4881755 (VCV004881755.2).
Genomic context (GRCh38, chr1:154,261,596, plus strand): 5'-GGACAGATGGTATTCTGCTGCCAAGTCACTGCAAATCTGGCCTTTTTGCTCTTTAGGTGG[C>T]TCCTACCTCTTCCAAGCAGCATGGTGTGAATGTCAGTGTGAATGCATCGGCCACCCCTTT-3'
Protein context (NP_055662.3, residues 924-944): FQYGPAVFPV[Ala934Val]PTSSKQHGVN